The following is an entry in ClinVar:

NM_018706.7(DHTKD1):c.2128T>G (p.Ser710Ala)

Gene: DHTKD1 (dehydrogenase E1 and transketolase domain containing 1; plus strand). Cytogenetic location: 10p14.
Variant type: single nucleotide variant.
Coding change: c.2128T>G on transcript NM_018706.7 (MANE Select); coding-DNA position 2128, T replaced by G.
Protein change: p.Ser710Ala; replaces serine 710 with alanine.
Molecular consequence: missense variant.
Genome position (GRCh38, 1-based): chr10:12,107,989, T>G. VCF-style: chr10-12107989-T-G. GRCh37 (hg19) VCF-style: chr10-12149988-T-G.
Other names: short protein forms S710A.
Identifiers: ClinVar variation 4617307 (VCV004617307.2).

ClinVar aggregate classification (germline): Uncertain significance. Review status: criteria provided, multiple submitters, no conflicts (2 of 4 stars). 2 submissions from 2 submitters: Uncertain significance (2). Last evaluated 2025-10-29.

Conditions:
Inborn genetic diseases. Identifiers: MedGen C0950123, MeSH D030342.
2-aminoadipic 2-oxoadipic aciduria (AAKAD). Also called: Aminoadipic aciduria; ALPHA-AMINOADIPIC AND ALPHA-KETOADIPIC ACIDURIA. Identifiers: Orphanet 79154, MedGen C1859817, MONDO:0008774, OMIM 204750.

gnomAD v4.1: 1 of 1,613,922 alleles (0.000062%); highest among the groups gnomAD compares: Non-Finnish European, 0.000085%; no homozygotes.

Submissions (2):

Ambry Genetics
Classification: Uncertain significance for Inborn genetic diseases. Last evaluated: 2025-10-29. Review status: criteria provided, single submitter. Criteria: Ambry Variant Classification Scheme 2023. Collection method: clinical testing. Allele origin: germline.

Labcorp Genetics (formerly Invitae), Labcorp
Classification: Uncertain significance for 2-aminoadipic 2-oxoadipic aciduria. Last evaluated: 2025-07-29. Review status: criteria provided, single submitter. Criteria: Invitae Variant Classification Sherloc (09022015). Collection method: clinical testing. Allele origin: germline.
Comment: This sequence change replaces serine, which is neutral and polar, with alanine, which is neutral and non-polar, at codon 710 of the DHTKD1 protein (p.Ser710Ala). This variant is present in population databases (no rsID available, gnomAD 0.0009%). This variant has not been reported in the literature in individuals affected with DHTKD1-related conditions. Invitae Evidence Modeling of protein sequence and biophysical properties (such as structural, functional, and spatial information, amino acid conservation, physicochemical variation, residue mobility, and thermodynamic stability) indicates that this missense variant is expected to disrupt DHTKD1 protein function with a positive predictive value of 80%. In summary, the available evidence is currently insufficient to determine the role of this variant in disease. Therefore, it has been classified as a Variant of Uncertain Significance.